The following is an entry in ClinVar:

NM_057175.5(NAA15):c.2328T>A (p.Asp776Glu)

Gene: NAA15 (N-alpha-acetyltransferase 15, NatA auxiliary subunit; plus strand). Cytogenetic location: 4q31.1.
Variant type: single nucleotide variant.
Coding change: c.2328T>A on transcript NM_057175.5 (MANE Select); coding-DNA position 2328, T replaced by A.
Protein change: p.Asp776Glu; replaces aspartic acid 776 with glutamic acid.
Molecular consequence: missense variant.
Genome position (GRCh38, 1-based): chr4:139,386,158, T>A. VCF-style: chr4-139386158-T-A. GRCh37 (hg19) VCF-style: chr4-140307312-T-A.
Other names: c.2325T>A, p.Asp775Glu (NM_001410842.1); c.*737T>A (NM_025085.2); short protein forms D776E, D775E.
Identifiers: ClinVar variation 2872734 (VCV002872734.3), dbSNP rs1205935523, ClinGen allele CA358270855.
Genomic context (GRCh38, chr4:139,386,158, plus strand): 5'-CCTTGAAATAAATTTCCTATTTCCCTCTCATTTAGCTGCCAAAATGGTATATTACTTAGA[T>A]CCTTCTAGTCAGAAGCGAGCTATAGAGTTGGCAACAACACTTGATGAATCTCTCACTAAC-3'
Protein context (NP_476516.1, residues 766-786): LSAAKMVYYL[Asp776Glu]PSSQKRAIEL

ClinVar aggregate classification (germline): Uncertain significance (1 of 4 stars; one submission).

Allele frequency attached by ClinVar (database versions not stated): gnomAD exomes below 0.00001; TOPMed below 0.00001.
gnomAD v4.1: 1 of 1,606,410 alleles (0.000062%); highest among the groups gnomAD compares: Admixed American, 0.0017%; no homozygotes.

Submission:

Labcorp Genetics (formerly Invitae), Labcorp
Classification: Uncertain significance. Last evaluated: 2023-11-19. Review status: criteria provided, single submitter. Criteria: Invitae Variant Classification Sherloc (09022015). Collection method: clinical testing. Allele origin: germline.
Comment: This sequence change replaces aspartic acid, which is acidic and polar, with glutamic acid, which is acidic and polar, at codon 776 of the NAA15 protein (p.Asp776Glu). This variant is present in population databases (no rsID available, gnomAD 0.003%). This variant has not been reported in the literature in individuals affected with NAA15-related conditions. Algorithms developed to predict the effect of missense changes on protein structure and function output the following: SIFT: "Not Available"; PolyPhen-2: "Benign"; Align-GVGD: "Not Available". The glutamic acid amino acid residue is found in multiple mammalian species, which suggests that this missense change does not adversely affect protein function. In summary, the available evidence is currently insufficient to determine the role of this variant in disease. Therefore, it has been classified as a Variant of Uncertain Significance.